The following is an entry in ClinVar:

ClinVar aggregate classification (germline): Uncertain significance (1 of 4 stars; one submission).

Allele frequency attached by ClinVar (database versions not stated): gnomAD exomes below 0.00001.
gnomAD v4.1: 1 of 1,614,050 alleles (0.000062%); highest among the groups gnomAD compares: Non-Finnish European, 0.000085%; no homozygotes.

Submission:

Labcorp Genetics (formerly Invitae), Labcorp
Classification: Uncertain significance. Last evaluated: 2023-02-13. Review status: criteria provided, single submitter. Criteria: Invitae Variant Classification Sherloc (09022015). Collection method: clinical testing. Allele origin: germline.
Comment: In summary, the available evidence is currently insufficient to determine the role of this variant in disease. Therefore, it has been classified as a Variant of Uncertain Significance. Advanced modeling of protein sequence and biophysical properties (such as structural, functional, and spatial information, amino acid conservation, physicochemical variation, residue mobility, and thermodynamic stability) performed at Invitae indicates that this missense variant is not expected to disrupt EPHA4 protein function. This variant has not been reported in the literature in individuals affected with EPHA4-related conditions. This variant is not present in population databases (gnomAD no frequency). This sequence change replaces proline, which is neutral and non-polar, with serine, which is neutral and polar, at codon 643 of the EPHA4 protein (p.Pro643Ser).

NM_004438.5(EPHA4):c.1927C>T (p.Pro643Ser)

Gene: EPHA4 (EPH receptor A4; minus strand). Cytogenetic location: 2q36.1.
Variant type: single nucleotide variant.
Coding change: c.1927C>T on transcript NM_004438.5 (MANE Select); coding-DNA position 1927, C replaced by T.
Protein change: p.Pro643Ser; replaces proline 643 with serine.
Molecular consequence: missense variant.
Genome position (GRCh38, 1-based): chr2:221,442,976, G>A on the plus strand (C>T on the coding strand, the complement: EPHA4 is on the minus strand). VCF-style: chr2-221442976-G-A. GRCh37 (hg19) VCF-style: chr2-222307696-G-A.
Other names: c.1927C>T, p.Pro643Ser (NM_001304536.2, NM_001363748.2); c.1774C>T, p.Pro592Ser (NM_001304537.2); short protein forms P643S, P592S.
Identifiers: ClinVar variation 2968814 (VCV002968814.3), dbSNP rs2469205043, ClinGen allele CA350404526.